The following is an entry in ClinVar:

ClinVar aggregate classification (germline): Likely benign (1 of 4 stars; one submission).

gnomAD v4.1: 21 of 1,574,212 alleles (0.0013%); highest among the groups gnomAD compares: Non-Finnish European, 0.0018%; no homozygotes.

Submission:

CeGaT Center for Human Genetics Tuebingen
Classification: Likely benign. Last evaluated: 2026-02-01. Review status: criteria provided, single submitter. Criteria: CeGaT Center For Human Genetics Tuebingen Variant Classification Criteria Version 2. Collection method: clinical testing. Allele origin: germline. Affected: yes. Observed: 1 variant allele.
Comment: PCDH15: BP4, BP7

NM_001384140.1(PCDH15):c.1306-4099T>A

Gene: PCDH15 (protocadherin related 15; minus strand). Cytogenetic location: 10q21.1.
Variant type: single nucleotide variant.
Coding change: c.1306-4099T>A on transcript NM_001384140.1 (MANE Select); 4099 bases into the intron before coding-DNA position 1306, T replaced by A.
Molecular consequence: intron variant. On other transcripts: synonymous variant (2).
Genome position (GRCh38, 1-based): chr10:54,189,367, A>T on the plus strand (T>A on the coding strand, the complement: PCDH15 is on the minus strand). VCF-style: chr10-54189367-A-T. GRCh37 (hg19) VCF-style: chr10-55949127-A-T.
Other names: c.1306-4099T>A (NM_001142764.2, NM_001354430.2, NM_001354420.2 and 6 more transcripts); c.1321-4099T>A (NM_001142763.2, NM_001142771.2); c.1338T>A, p.Val446= (NM_001142769.4); c.1323T>A, p.Val441= (NM_001354411.2); c.1240-4099T>A (NM_001354404.2, NM_001142773.2, NM_001142768.2); c.1195-4099T>A (NM_001142767.2).
Identifiers: ClinVar variation 4821926 (VCV004821926.4).